The following is an entry in ClinVar:

NC_000011.9:g.(?_64567607)_(64572007_?)del

Genes: MAP4K2 (mitogen-activated protein kinase kinase kinase kinase 2; minus strand), MEN1 (menin 1; minus strand). Cytogenetic location: 11q13.1.
Variant type: Deletion.
Identifiers: ClinVar variation 3244552 (VCV003244552.1).

ClinVar aggregate classification (germline): Pathogenic (1 of 4 stars; one submission).

Conditions:
Multiple endocrine neoplasia, type 1 (MEN1). Also called: Endocrine adenomatosis multiple; MEN 1; MEA I; MEN I; WERMER SYNDROME. Identifiers: Orphanet 652, MedGen C0025267, MeSH D018761, MONDO:0007540, OMIM 131100.

Submission:

Labcorp Genetics (formerly Invitae), Labcorp
Classification: Pathogenic for Multiple endocrine neoplasia, type 1. Last evaluated: 2023-11-01. Review status: criteria provided, single submitter. Criteria: Invitae Variant Classification Sherloc (09022015). Collection method: clinical testing. Allele origin: unknown.
Comment: This variant results in the deletion of part of exon 10 (c.1632_*4199del) of the MEN1 gene. While this variant is not anticipated to result in nonsense mediated decay, it likely alters RNA splicing and results in a disrupted protein product. This variant has not been reported in the literature in individuals affected with MEN1-related conditions. Variants that disrupt the consensus splice site are a relatively common cause of aberrant splicing (PMID: 17576681, 9536098). This variant disrupts a region of the MEN1 protein in which other variant(s) (p.Thr580Argfs*8) have been determined to be pathogenic (Invitae). This suggests that this is a clinically significant region of the protein, and that variants that disrupt it are likely to be disease-causing. For these reasons, this variant has been classified as Pathogenic.

Literature cited by the submitters: PubMed 17576681; PubMed 9536098.